The following is an entry in ClinVar:

ClinVar aggregate classification (germline): Uncertain significance (1 of 4 stars; one submission).

Submission:

Women's Health and Genetics/Laboratory Corporation of America, LabCorp
Classification: Uncertain significance. Last evaluated: 2024-07-05. Review status: criteria provided, single submitter. Criteria: LabCorp Variant Classification Summary - May 2015. Collection method: clinical testing. Allele origin: germline.
Comment: Variant summary: COL6A2 c.801+8_801+15delGCCCAGAT alters conserved nucleotides located close to a canonical splice site and therefore could affect mRNA splicing, leading to a significantly altered protein sequence. Consensus agreement among computation tools predict no significant impact on normal splicing. However, these predictions have yet to be confirmed by functional studies. The variant was absent in 251252 control chromosomes. The available data on variant occurrences in the general population are insufficient to allow any conclusion about variant significance. To our knowledge, no occurrence of c.801+8_801+15delGCCCAGAT in individuals affected with Collagen Type VI-Related Disorders and no experimental evidence demonstrating its impact on protein function have been reported. No submitters have cited clinical-significance assessments for this variant to ClinVar. Based on the evidence outlined above, the variant was classified as uncertain significance.

NM_001849.4(COL6A2):c.801+8_801+15del

Gene: COL6A2 (collagen type VI alpha 2 chain; plus strand). Cytogenetic location: 21q22.3.
Variant type: Deletion.
Coding change: c.801+8_801+15del on transcript NM_001849.4 (MANE Select); bases 8 to 15 of the intron after coding-DNA position 801, 8 bases deleted (GCCCAGAT; older notation c.801+8_801+15delGCCCAGAT).
Molecular consequence: intron variant.
Genome position (GRCh38, 1-based): chr21:46,114,081-46,114,088, GCCCAGAT deleted; deleting any 8 consecutive bases within chr21:46,114,077-46,114,088 gives the same sequence; the c. name uses the placement nearest the transcript's 3' end. VCF-style (leftmost placement, unchanged base first): chr21-46114076-AAGATGCCC-A. GRCh37 (hg19) VCF-style: chr21-47533990-AAGATGCCC-A.
Other names: c.801+8_801+15del (NM_058175.3, NM_058174.3); c.801+8_801+15delGCCCAGAT (NM_001849.4).
Identifiers: ClinVar variation 3339131 (VCV003339131.1).